The following is an entry in ClinVar:

ClinVar aggregate classification (germline): Uncertain significance (1 of 4 stars; one submission).

Allele frequency attached by ClinVar (database versions not stated): gnomAD exomes below 0.00001.
gnomAD v4.1: 3 of 1,614,044 alleles (0.00019%); highest among the groups gnomAD compares: Non-Finnish European, 0.00025%; no homozygotes.

Submission:

Labcorp Genetics (formerly Invitae), Labcorp
Classification: Uncertain significance. Last evaluated: 2022-06-09. Review status: criteria provided, single submitter. Criteria: Invitae Variant Classification Sherloc (09022015). Collection method: clinical testing. Allele origin: germline.
Comment: This variant is present in population databases (no rsID available, gnomAD 0.0009%). This sequence change replaces serine, which is neutral and polar, with leucine, which is neutral and non-polar, at codon 1519 of the CACNA1G protein (p.Ser1519Leu). This variant has not been reported in the literature in individuals affected with CACNA1G-related conditions. Advanced modeling of protein sequence and biophysical properties (such as structural, functional, and spatial information, amino acid conservation, physicochemical variation, residue mobility, and thermodynamic stability) performed at Invitae indicates that this missense variant is not expected to disrupt CACNA1G protein function. In summary, the available evidence is currently insufficient to determine the role of this variant in disease. Therefore, it has been classified as a Variant of Uncertain Significance.

NM_018896.5(CACNA1G):c.4556C>T (p.Ser1519Leu)

Gene: CACNA1G (calcium voltage-gated channel subunit alpha1 G; plus strand). Cytogenetic location: 17q21.33.
Variant type: single nucleotide variant.
Coding change: c.4556C>T on transcript NM_018896.5 (MANE Select); coding-DNA position 4556, C replaced by T.
Protein change: p.Ser1519Leu; replaces serine 1519 with leucine.
Molecular consequence: missense variant. On other transcripts: non-coding transcript variant (5), intron variant (8).
Genome position (GRCh38, 1-based): chr17:50,607,870, C>T. VCF-style: chr17-50607870-C-T. GRCh37 (hg19) VCF-style: chr17-48685231-C-T.
Other names: c.4556C>T, p.Ser1519Leu (NM_001256324.2, NM_001256325.2, NM_001256327.2 and 9 more transcripts); c.4487C>T, p.Ser1496Leu (NM_198376.3, NM_198379.3, NM_198382.3 and 4 more transcripts); c.4513-32C>T (NM_001256360.2); c.4513-38C>T (NM_001256361.2, NM_001256359.2); c.4513-59C>T (NM_001256326.2, NM_001256330.2, NM_001256329.2 and 1 more transcripts); c.4444-59C>T (NM_001256332.2); short protein forms S1519L, S1496L.
Identifiers: ClinVar variation 2003965 (VCV002003965.4), dbSNP rs1369181328, ClinGen allele CA400258738.
Genomic context (GRCh38, chr17:50,607,870, plus strand): 5'-TTCCTGCTCCCCGCCAGCCCATCATGAACCACAACCCCTGGATGCTGCTGTACTTCATCT[C>T]GTTCCTGCTCATTGTGGCCTTCTTTGTCCTGAACATGTTTGTGGGTGTGGTGGTGGAGAA-3'
Protein context (NP_061496.2, residues 1509-1529): HNPWMLLYFI[Ser1519Leu]FLLIVAFFVL